The following is an entry in ClinVar:

NM_006206.6(PDGFRA):c.3072C>T (p.Asp1024=)

Gene: PDGFRA (platelet derived growth factor receptor alpha; plus strand). Cytogenetic location: 4q12.
Variant type: single nucleotide variant.
Coding change: c.3072C>T on transcript NM_006206.6 (MANE Select); coding-DNA position 3072, C replaced by T.
Protein change: p.Asp1024=; no amino-acid change (aspartic acid 1024 retained).
Molecular consequence: synonymous variant.
Genome position (GRCh38, 1-based): chr4:54,290,504, C>T. VCF-style: chr4-54290504-C-T. GRCh37 (hg19) VCF-style: chr4-55156671-C-T.
Other names: c.3147C>T, p.Asp1049= (NM_001347828.2); c.3072C>T, p.Asp1024= (NM_001347829.2); c.3111C>T, p.Asp1037= (NM_001347830.2).
Identifiers: ClinVar variation 755174 (VCV000755174.14), dbSNP rs766963269, ClinGen allele CA2923021.
Genomic context (GRCh38, chr4:54,290,504, plus strand): 5'-GGGTGGTCTGGATGAGCAGAGACTGAGCGCTGACAGTGGCTACATCATTCCTCTGCCTGA[C>T]ATTGACCCTGTCCCTGAGGAGGAGGACCTGGGCAAGAGGAACAGACACAGGTAGCTGTGG-3'
Protein context (NP_006197.1, residues 1014-1034): ADSGYIIPLP[Asp1024=]IDPVPEEEDL

ClinVar aggregate classification (germline): Benign/Likely benign. Review status: criteria provided, multiple submitters, no conflicts (2 of 4 stars). 3 submissions from 3 submitters: Benign (1); Likely benign (2). Last evaluated 2026-06-18.

Conditions:
Polyps, multiple and recurrent inflammatory fibroid, gastrointestinal. Identifiers: MedGen C5193005, MONDO:0008285, OMIM 175510.
Gastrointestinal stromal tumor. Also called: Gastrointestinal stromal tumor, somatic; Gastrointestinal stroma tumor. Identifiers: Orphanet 44890, MedGen C0238198, MeSH D046152, MONDO:0011719, OMIM 606764, HP:0100723.
Hereditary cancer-predisposing syndrome. Also called: Neoplastic Syndromes, Hereditary; Hereditary Cancer Syndrome; Hereditary neoplastic syndrome; Tumor predisposition. Identifiers: Orphanet 140162, MedGen C0027672, MeSH D009386, MONDO:0015356.

Allele frequency attached by ClinVar (database versions not stated): gnomAD exomes below 0.00001; ExAC 0.00001.
gnomAD v4.1: 1 of 1,614,050 alleles (0.000062%); highest among the groups gnomAD compares: Admixed American, 0.0017%; no homozygotes.

Submissions (3):

Myriad Genetics, Inc.
Classification: Benign for Polyps, multiple and recurrent inflammatory fibroid, gastrointestinal. Last evaluated: 2026-06-18. Review status: criteria provided, single submitter. Criteria: Myriad Autosomal Dominant, Autosomal Recessive and X-Linked Classification Criteria (2023). Collection method: clinical testing. Allele origin: unknown.
Comment: This variant is considered benign. This variant is a silent/synonymous amino acid change and it is not expected to impact splicing.

Labcorp Genetics (formerly Invitae), Labcorp
Classification: Likely benign for Gastrointestinal stromal tumor. Last evaluated: 2025-11-16. Review status: criteria provided, single submitter. Criteria: Invitae Variant Classification Sherloc (09022015). Collection method: clinical testing. Allele origin: germline.

Ambry Genetics
Classification: Likely benign for Hereditary cancer-predisposing syndrome. Last evaluated: 2022-10-30. Review status: criteria provided, single submitter. Criteria: Ambry Variant Classification Scheme 2023. Collection method: clinical testing. Allele origin: germline.